The following is an entry in ClinVar:

NM_001037.5(SCN1B):c.590+8G>C

Gene: SCN1B (sodium voltage-gated channel beta subunit 1; plus strand). Cytogenetic location: 19q13.11.
Variant type: single nucleotide variant.
Coding change: c.590+8G>C on transcript NM_001037.5 (MANE Select); 8 bases into the intron after coding-DNA position 590, G replaced by C.
Molecular consequence: intron variant.
Genome position (GRCh38, 1-based): chr19:35,039,266, G>C. VCF-style: chr19-35039266-G-C. GRCh37 (hg19) VCF-style: chr19-35530170-G-C.
Other names: c.491+8G>C (NM_001321605.2).
Identifiers: ClinVar variation 3663507 (VCV003663507.2).

ClinVar aggregate classification (germline): Uncertain significance (1 of 4 stars; one submission).

Conditions:
Brugada syndrome 5 (BRGDA5). Identifiers: Orphanet 130, Orphanet 871, MedGen C2748541, MONDO:0013015, OMIM 612838.

Submission:

Labcorp Genetics (formerly Invitae), Labcorp
Classification: Uncertain significance for Brugada syndrome 5. Last evaluated: 2025-12-22. Review status: criteria provided, single submitter. Criteria: Invitae Variant Classification Sherloc (09022015). Collection method: clinical testing. Allele origin: germline.
Comment: The SCN1B gene has multiple clinically relevant transcripts. This variant occurs in alternate transcript NM_001037.5, and corresponds to NM_199037.3:c.*5168G>C in the primary transcript. This sequence change falls in intron 4 of the SCN1B gene. It does not directly change the encoded amino acid sequence of the SCN1B protein. This variant is not present in population databases (gnomAD no frequency). This variant has not been reported in the literature in individuals affected with SCN1B-related conditions. Experimental studies and prediction algorithms are not available or were not evaluated, and the effect of this variant on mRNA splicing is currently unknown. In summary, the available evidence is currently insufficient to determine the role of this variant in disease. Therefore, it has been classified as a Variant of Uncertain Significance.